The following is an entry in ClinVar:

NM_001042492.3(NF1):c.5833del (p.Cys1945fs)

Gene: NF1 (neurofibromin 1; plus strand). Cytogenetic location: 17q11.2.
Variant type: Deletion.
Coding change: c.5833del on transcript NM_001042492.3 (MANE Select); coding-DNA position 5833, one base deleted (T; older notation c.5833delT).
Protein change: p.Cys1945fs; shifts the reading frame from cysteine 1945.
Molecular consequence: frameshift variant.
Genome position (GRCh38, 1-based): chr17:31,334,858, T deleted; the last of 3 consecutive T bases (chr17:31,334,856-31,334,858); deleting any one gives the same sequence. VCF-style (leftmost placement, unchanged base first): chr17-31334855-CT-C. GRCh37 (hg19) VCF-style: chr17-29661873-CT-C.
Other names: c.5770delT (NM_000267.3); c.5770delT, p.Cys1924Valfs (NM_000267.4); short protein forms C1945fs, C1924fs.
Identifiers: ClinVar variation 457765 (VCV000457765.7), dbSNP rs1555534379, ClinGen allele CA658658556.
Genomic context (GRCh38, chr17:31,334,855, plus strand): 5'-ATTTTCATTGACCATCACATGCTAATAGTGTATTTTTTTCCAGGTATTGAATTGAAACAC[CT>C]TTGTTTGGAATACATGACTCCATGGCTGTCAAATCTAGTTCGTTTTTGCAAGCATAATGA-3'

ClinVar aggregate classification (germline): Pathogenic/Likely pathogenic. Review status: criteria provided, multiple submitters, no conflicts (2 of 4 stars). 3 submissions from 3 submitters: Pathogenic (2); Likely pathogenic (1). Last evaluated 2025-06-25.

Conditions:
Hereditary cancer-predisposing syndrome. Also called: Hereditary Cancer Syndrome; Hereditary neoplastic syndrome; Tumor predisposition; Neoplastic Syndromes, Hereditary. Identifiers: Orphanet 140162, MedGen C0027672, MeSH D009386, MONDO:0015356.
Neurofibromatosis, type 1 (NF1). Also called: VON RECKLINGHAUSEN DISEASE; NEUROFIBROMATOSIS, TYPE I, SOMATIC; Peripheral type neurofibromatosis; Neurofibromatosis, type I. Identifiers: Orphanet 636, MedGen C0027831, MONDO:0018975, OMIM 162200. Disease mechanism: loss of function.

Submissions (3):

Labcorp Genetics (formerly Invitae), Labcorp
Classification: Pathogenic for Neurofibromatosis, type 1. Last evaluated: 2025-06-25. Review status: criteria provided, single submitter. Criteria: Invitae Variant Classification Sherloc (09022015). Collection method: clinical testing. Allele origin: germline.
Comment: This sequence change creates a premature translational stop signal (p.Cys1924Valfs*5) in the NF1 gene. It is expected to result in an absent or disrupted protein product. Loss-of-function variants in NF1 are known to be pathogenic (PMID: 10712197, 23913538). This variant is not present in population databases (gnomAD no frequency). This premature translational stop signal has been observed in individual(s) with clinical features of neurofibromatosis type 1 (PMID: 32581362). ClinVar contains an entry for this variant (Variation ID: 457765). For these reasons, this variant has been classified as Pathogenic.

Genome-Nilou Lab
Classification: Pathogenic for Neurofibromatosis, type 1. Last evaluated: 2022-03-15. Review status: criteria provided, single submitter. Criteria: ACMG Guidelines, 2015. Collection method: clinical testing. Allele origin: germline. Affected: no.

Academic Department of Medical Genetics, University of Cambridge
Classification: Likely pathogenic for Hereditary cancer-predisposing syndrome. Last evaluated: 2018-01-26. Review status: criteria provided, single submitter. Criteria: ACMG Guidelines, 2015. Collection method: research. Allele origin: germline. Affected: yes. Observed: 1 heterozygote.
Comment: Application of AMCG guidelines 2015. Used other ClinVar submission evidence where relevant. Loss of heterozygosity in tumours or immunohistochemistry abnormalities considered functional evidence of pathogenicity.

Identified as part of research study of individuals with multiple primary tumours referred for genetic assessment

Literature cited by the submitters: PubMed 10712197 (cited by Labcorp Genetics (formerly Invitae), Labcorp); PubMed 23913538 (cited by Labcorp Genetics (formerly Invitae), Labcorp); PubMed 32581362 (cited by Labcorp Genetics (formerly Invitae), Labcorp).